The following is an entry in ClinVar:

ClinVar aggregate classification (germline): Uncertain significance (1 of 4 stars; one submission).

Conditions:
Deficiency of aromatic-L-amino-acid decarboxylase. Also called: Aromatic amino acid decarboxylase deficiency; AADC DEFICIENCY; DDC DEFICIENCY; DOPA DECARBOXYLASE DEFICIENCY; Aromatic L-Amino Acid Decarboxylase Deficiency. Identifiers: Orphanet 35708, MedGen C1291564, MONDO:0012084, OMIM 608643.

gnomAD v4.1: 1 of 1,613,974 alleles (0.000062%); highest among the groups gnomAD compares: Non-Finnish European, 0.000085%; no homozygotes.

Submission:

Labcorp Genetics (formerly Invitae), Labcorp
Classification: Uncertain significance for Deficiency of aromatic-L-amino-acid decarboxylase. Last evaluated: 2022-08-27. Review status: criteria provided, single submitter. Criteria: Invitae Variant Classification Sherloc (09022015). Collection method: clinical testing. Allele origin: germline.
Comment: This sequence change replaces glutamine, which is neutral and polar, with glutamic acid, which is acidic and polar, at codon 176 of the DDC protein (p.Gln176Glu). This variant is not present in population databases (gnomAD no frequency). This variant has not been reported in the literature in individuals affected with DDC-related conditions. Algorithms developed to predict the effect of missense changes on protein structure and function output the following: SIFT: "Tolerated"; PolyPhen-2: "Benign"; Align-GVGD: "Class C0". The glutamic acid amino acid residue is found in multiple mammalian species, which suggests that this missense change does not adversely affect protein function. In summary, the available evidence is currently insufficient to determine the role of this variant in disease. Therefore, it has been classified as a Variant of Uncertain Significance.

NM_001082971.2(DDC):c.526C>G (p.Gln176Glu)

Gene: DDC (dopa decarboxylase; minus strand). Cytogenetic location: 7p12.1.
Variant type: single nucleotide variant.
Coding change: c.526C>G on transcript NM_001082971.2 (MANE Select); coding-DNA position 526, C replaced by G.
Protein change: p.Gln176Glu; replaces glutamine 176 with glutamic acid.
Molecular consequence: missense variant. On other transcripts: intron variant (1).
Genome position (GRCh38, 1-based): chr7:50,529,252, G>C on the plus strand (C>G on the coding strand, the complement: DDC is on the minus strand). VCF-style: chr7-50529252-G-C. GRCh37 (hg19) VCF-style: chr7-50596950-G-C.
Other names: c.526C>G, p.Gln176Glu (NM_000790.4, NM_001242887.2, NM_001242890.2); c.412C>G, p.Gln138Glu (NM_001242886.2); c.292C>G, p.Gln98Glu (NM_001242888.2); c.435+8608C>G (NM_001242889.2); short protein forms Q176E, Q138E, Q98E.
Identifiers: ClinVar variation 2135944 (VCV002135944.4), dbSNP rs773004040, ClinGen allele CA367526694.